The following is an entry in ClinVar:

ClinVar aggregate classification (germline): Uncertain significance (1 of 4 stars; one submission).

Conditions:
CACNA1A-related disorder. Also called: CACNA1A-related condition.

gnomAD v4.1: 8 of 1,482,428 alleles (0.00054%); highest among the groups gnomAD compares: South Asian, 0.0025%; no homozygotes.

Submission:

PreventionGenetics, part of Exact Sciences
Classification: Uncertain significance for CACNA1A-related condition. Last evaluated: 2026-08-28. Review status: criteria provided, single submitter. Criteria: ACMG Guidelines, 2015. Collection method: clinical testing. Allele origin: germline.
Comment: The CACNA1A c.7231C>T variant is predicted to result in the amino acid substitution p.Arg2411Trp. To our knowledge, this variant has not been reported in the literature or in a large population database (gnomAD), indicating this variant is rare. Although we suspect that this variant may be benign, at this time, the clinical significance of this variant is uncertain due to the absence of conclusive functional and genetic evidence.

NM_001127222.2(CACNA1A):c.7231C>T (p.Arg2411Trp)

Gene: CACNA1A (calcium voltage-gated channel subunit alpha1 A; minus strand). Cytogenetic location: 19p13.13.
Variant type: single nucleotide variant.
Coding change: c.7231C>T on transcript NM_001127222.2 (MANE Select); coding-DNA position 7231, C replaced by T.
Protein change: p.Arg2411Trp; replaces arginine 2411 with tryptophan.
Molecular consequence: missense variant. On other transcripts: 3 prime UTR variant (3).
Genome position (GRCh38, 1-based): chr19:13,207,603, G>A on the plus strand (C>T on the coding strand, the complement: CACNA1A is on the minus strand). VCF-style: chr19-13207603-G-A. GRCh37 (hg19) VCF-style: chr19-13318417-G-A.
Other names: c.*443C>T (NM_000068.4, NM_001127221.2, NM_001174080.2); c.7249C>T, p.Arg2417Trp (NM_023035.3); short protein forms R2411W, R2417W.
Identifiers: ClinVar variation 4989339 (VCV004989339.1).